The following is an entry in ClinVar:

NM_006662.3(SRCAP):c.7508C>T (p.Pro2503Leu)

Gene: SRCAP (Snf2 related CREBBP activator protein; plus strand). Cytogenetic location: 16p11.2.
Variant type: single nucleotide variant.
Coding change: c.7508C>T on transcript NM_006662.3 (MANE Select); coding-DNA position 7508, C replaced by T.
Protein change: p.Pro2503Leu; replaces proline 2503 with leucine.
Molecular consequence: missense variant.
Genome position (GRCh38, 1-based): chr16:30,737,548, C>T. VCF-style: chr16-30737548-C-T. GRCh37 (hg19) VCF-style: chr16-30748869-C-T.
Other names: short protein forms P2503L.
Identifiers: ClinVar variation 3322578 (VCV003322578.3).

ClinVar aggregate classification (germline): Uncertain significance. Review status: criteria provided, multiple submitters, no conflicts (2 of 4 stars). 2 submissions from 2 submitters: Uncertain significance (2). Last evaluated 2024-11-29.

Conditions:
Inborn genetic diseases. Identifiers: MedGen C0950123, MeSH D030342.

gnomAD v4.1: 27 of 1,613,114 alleles (0.0017%); highest among the groups gnomAD compares: Middle Eastern, 0.033%; no homozygotes.

Submissions (2):

Labcorp Genetics (formerly Invitae), Labcorp
Classification: Uncertain significance. Last evaluated: 2024-11-29. Review status: criteria provided, single submitter. Criteria: Invitae Variant Classification Sherloc (09022015). Collection method: clinical testing. Allele origin: germline.
Comment: This sequence change replaces proline, which is neutral and non-polar, with leucine, which is neutral and non-polar, at codon 2503 of the SRCAP protein (p.Pro2503Leu). This variant is present in population databases (rs768135928, gnomAD 0.004%). This variant has not been reported in the literature in individuals affected with SRCAP-related conditions. Invitae Evidence Modeling of protein sequence and biophysical properties (such as structural, functional, and spatial information, amino acid conservation, physicochemical variation, residue mobility, and thermodynamic stability) indicates that this missense variant is not expected to disrupt SRCAP protein function with a negative predictive value of 80%. In summary, the available evidence is currently insufficient to determine the role of this variant in disease. Therefore, it has been classified as a Variant of Uncertain Significance.

Ambry Genetics
Classification: Uncertain significance for Inborn genetic diseases. Last evaluated: 2024-04-08. Review status: criteria provided, single submitter. Criteria: Ambry Variant Classification Scheme 2023. Collection method: clinical testing. Allele origin: germline.